The following is an entry in ClinVar:

NM_001144952.2(SDK2):c.4272A>G (p.Pro1424=)

Gene: SDK2 (sidekick cell adhesion molecule 2; minus strand). Cytogenetic location: 17q25.1.
Variant type: single nucleotide variant.
Coding change: c.4272A>G on transcript NM_001144952.2 (MANE Select); coding-DNA position 4272, A replaced by G.
Protein change: p.Pro1424=; no amino-acid change (proline 1424 retained).
Molecular consequence: synonymous variant.
Genome position (GRCh38, 1-based): chr17:73,387,958, T>C on the plus strand (A>G on the coding strand, the complement: SDK2 is on the minus strand). VCF-style: chr17-73387958-T-C. GRCh37 (hg19) VCF-style: chr17-71384097-T-C.
Identifiers: ClinVar variation 3047611 (VCV003047611.2), dbSNP rs200242323, ClinGen allele CA8742835.

ClinVar aggregate classification (germline): Benign (0 of 4 stars; one submission).

Conditions:
SDK2-related disorder. Also called: SDK2-related condition.

Allele frequency attached by ClinVar (database versions not stated): gnomAD exomes 0.00026; TOPMed 0.00032; gnomAD 0.00034; 1000 Genomes Project 30x 0.00062; 1000 Genomes Project 0.00080; ExAC 0.00117.
gnomAD v4.1: 421 of 1,575,212 alleles (0.027%); highest among the groups gnomAD compares: East Asian, 0.93%; 1 homozygote.

Submission:

PreventionGenetics, part of Exact Sciences
Classification: Benign for SDK2-related condition. Last evaluated: 2019-02-22. Review status: no assertion criteria provided. Collection method: clinical testing. Allele origin: germline.
Comment: This variant is classified as benign based on ACMG/AMP sequence variant interpretation guidelines (Richards et al. 2015 PMID: 25741868, with internal and published modifications).